The following is an entry in ClinVar:

ClinVar aggregate classification (germline): Conflicting classifications of pathogenicity. Review status: criteria provided, conflicting classifications (1 of 4 stars). 3 submissions from 3 submitters: Likely pathogenic (2); Uncertain significance (1). Last evaluated 2026-02-16.

Conditions:
Pontocerebellar hypoplasia type 7. Identifiers: Orphanet 284339, MedGen C3554226, MONDO:0013993, OMIM 614969.

Allele frequency attached by ClinVar (database versions not stated): gnomAD exomes below 0.00001; gnomAD 0.00001; TOPMed 0.00001; ExAC 0.00002.

Submissions (3):

GeneDx
Classification: Likely pathogenic. Last evaluated: 2026-02-16. Review status: criteria provided, single submitter. Criteria: GeneDx Variant Classification Process June 2021. Collection method: clinical testing. Allele origin: germline.
Comment: Not observed at significant frequency in large population cohorts (gnomAD); In silico analysis supports that this missense variant has a deleterious effect on protein structure/function; Has not been previously published as pathogenic or benign to our knowledge

Variantyx, Inc.
Classification: Likely pathogenic for Pontocerebellar hypoplasia type 7. Last evaluated: 2026-01-08. Review status: criteria provided, single submitter. Criteria: Variantyx Assertion Criteria 2022. Collection method: clinical testing. Allele origin: germline. Inheritance: Autosomal recessive inheritance. Affected: yes.
Comment: This is a nonsynonymous variant in the TOE1 gene (OMIM: 613931). Pathogenic variants in this gene have been associated with autosomal recessive pontocerebellar hypoplasia type 7 (PMID:28092684). This variant has a 0.0033% maximum allele frequency in non-founder control populations (PM2). Computational algorithms produce conflicting evidence regarding the predicted functional impact of this variant (REVEL score: 0.312). Based on the current evidence, this variant is classified as likely pathogenic for autosomal recessive pontocerebellar hypoplasia type 7.

Labcorp Genetics (formerly Invitae), Labcorp
Classification: Uncertain significance. Last evaluated: 2025-03-07. Review status: criteria provided, single submitter. Criteria: Invitae Variant Classification Sherloc (09022015). Collection method: clinical testing. Allele origin: germline.
Comment: This sequence change replaces arginine, which is basic and polar, with tryptophan, which is neutral and slightly polar, at codon 249 of the TOE1 protein (p.Arg249Trp). This variant is present in population databases (rs771979228, gnomAD 0.0009%). This variant has not been reported in the literature in individuals affected with TOE1-related conditions. ClinVar contains an entry for this variant (Variation ID: 1036796). Invitae Evidence Modeling of protein sequence and biophysical properties (such as structural, functional, and spatial information, amino acid conservation, physicochemical variation, residue mobility, and thermodynamic stability) has been performed for this missense variant. However, the output from this modeling did not meet the statistical confidence thresholds required to predict the impact of this variant on TOE1 protein function. In summary, the available evidence is currently insufficient to determine the role of this variant in disease. Therefore, it has been classified as a Variant of Uncertain Significance.

Literature cited by the submitters: PubMed 28092684 (cited by Variantyx, Inc.).

NM_025077.4(TOE1):c.745C>T (p.Arg249Trp)

Gene: TOE1 (target of EGR1, exonuclease; plus strand). Cytogenetic location: 1p34.1.
Variant type: single nucleotide variant.
Coding change: c.745C>T on transcript NM_025077.4 (MANE Select); coding-DNA position 745, C replaced by T.
Protein change: p.Arg249Trp; replaces arginine 249 with tryptophan.
Molecular consequence: missense variant.
Genome position (GRCh38, 1-based): chr1:45,342,636, C>T. VCF-style: chr1-45342636-C-T. GRCh37 (hg19) VCF-style: chr1-45808308-C-T.
Other names: c.745C>T (NM_025077.3); short protein forms R249W.
Identifiers: ClinVar variation 1036796 (VCV001036796.9), dbSNP rs771979228, ClinGen allele CA826637.